The following is an entry in ClinVar:

NM_001144967.3(NEDD4L):c.1653+5G>A

Gene: NEDD4L (NEDD4 like E3 ubiquitin protein ligase; plus strand). Cytogenetic location: 18q21.31.
Variant type: single nucleotide variant.
Coding change: c.1653+5G>A on transcript NM_001144967.3 (MANE Select); 5 bases into the intron after coding-DNA position 1653, G replaced by A.
Molecular consequence: intron variant.
Genome position (GRCh38, 1-based): chr18:58,349,619, G>A. VCF-style: chr18-58349619-G-A. GRCh37 (hg19) VCF-style: chr18-56016851-G-A.
Other names: c.1593+5G>A (NM_015277.6); c.1461+5G>A (NM_001243960.2); c.1290+5G>A (NM_001144964.1, NM_001144965.2, NM_001144966.3); c.1230+5G>A (NM_001144971.2, NM_001144970.3); c.1629+5G>A (NM_001144968.2); c.1569+5G>A (NM_001144969.2).
Identifiers: ClinVar variation 2756220 (VCV002756220.3), dbSNP rs2517108532, ClinGen allele CA2697555531.

ClinVar aggregate classification (germline): Uncertain significance (1 of 4 stars; one submission).

Submission:

Labcorp Genetics (formerly Invitae), Labcorp
Classification: Uncertain significance. Last evaluated: 2023-06-02. Review status: criteria provided, single submitter. Criteria: Invitae Variant Classification Sherloc (09022015). Collection method: clinical testing. Allele origin: germline.
Comment: This variant is not present in population databases (gnomAD no frequency). This sequence change falls in intron 16 of the NEDD4L gene. It does not directly change the encoded amino acid sequence of the NEDD4L protein. It affects a nucleotide within the consensus splice site. This variant has not been reported in the literature in individuals affected with NEDD4L-related conditions. Variants that disrupt the consensus splice site are a relatively common cause of aberrant splicing (PMID: 17576681, 9536098). Algorithms developed to predict the effect of sequence changes on RNA splicing suggest that this variant may disrupt the consensus splice site. In summary, the available evidence is currently insufficient to determine the role of this variant in disease. Therefore, it has been classified as a Variant of Uncertain Significance.

Literature cited by the submitters: PubMed 17576681; PubMed 9536098.